The following is an entry in ClinVar:

NM_020631.6(PLEKHG5):c.2146G>T (p.Glu716Ter)

Gene: PLEKHG5 (pleckstrin homology and RhoGEF domain containing G5; minus strand). Cytogenetic location: 1p36.31.
Variant type: single nucleotide variant.
Coding change: c.2146G>T on transcript NM_020631.6 (MANE Select); coding-DNA position 2146, G replaced by T.
Protein change: p.Glu716Ter; replaces glutamic acid 716 with a stop codon.
Molecular consequence: nonsense.
Genome position (GRCh38, 1-based): chr1:6,469,145, C>A on the plus strand (G>T on the coding strand, the complement: PLEKHG5 is on the minus strand). VCF-style: chr1-6469145-C-A. GRCh37 (hg19) VCF-style: chr1-6529205-C-A.
Other names: c.2257G>T, p.Glu753Ter (NM_001042663.3, NM_001265592.2); c.2146G>T, p.Glu716Ter (NM_001042664.2, NM_001042665.2, NM_001265594.3 and 1 more transcripts); c.2353G>T, p.Glu785Ter (NM_001265593.2); short protein forms E716*, E753*, E785*.
Identifiers: ClinVar variation 2954313 (VCV002954313.3), dbSNP rs1644488970, ClinGen allele CA338118576.

ClinVar aggregate classification (germline): Pathogenic (1 of 4 stars; one submission).

Conditions:
Neuronopathy, distal hereditary motor, autosomal recessive 4. Also called: NEUROPATHY, DISTAL HEREDITARY MOTOR, AUTOSOMAL RECESSIVE 4; Autosomal recessive lower motor neuron disease with childhood onset. Identifiers: Orphanet 206580, MedGen C1970211, MONDO:0012608, OMIM 611067.
Charcot-Marie-Tooth disease recessive intermediate C. Also called: CHARCOT-MARIE-TOOTH NEUROPATHY, RECESSIVE INTERMEDIATE C. Identifiers: Orphanet 369867, MedGen C3809309, MONDO:0014154, OMIM 615376.

Allele frequency attached by ClinVar (database versions not stated): gnomAD exomes below 0.00001.
gnomAD v4.1: 1 of 1,612,576 alleles (0.000062%); highest among the groups gnomAD compares: Non-Finnish European, 0.000085%; no homozygotes.

Submission:

Labcorp Genetics (formerly Invitae), Labcorp
Classification: Pathogenic for Neuronopathy, distal hereditary motor, autosomal recessive 4; Charcot-Marie-Tooth disease recessive intermediate C. Last evaluated: 2023-12-09. Review status: criteria provided, single submitter. Criteria: Invitae Variant Classification Sherloc (09022015). Collection method: clinical testing. Allele origin: germline.
Comment: This sequence change creates a premature translational stop signal (p.Glu716*) in the PLEKHG5 gene. It is expected to result in an absent or disrupted protein product. Loss-of-function variants in PLEKHG5 are known to be pathogenic (PMID: 17564964, 23777631). This variant is not present in population databases (gnomAD no frequency). This variant has not been reported in the literature in individuals affected with PLEKHG5-related conditions. For these reasons, this variant has been classified as Pathogenic.

Literature cited by the submitters: PubMed 17564964; PubMed 23777631.